The following is an entry in ClinVar:

NM_024306.5(FA2H):c.64G>A (p.Ala22Thr)

Genes: FA2H (fatty acid 2-hydroxylase; minus strand), LOC130059394 (ATAC-STARR-seq lymphoblastoid silent region 7701; plus strand). Cytogenetic location: 16q23.1.
Variant type: single nucleotide variant.
Coding change: c.64G>A on transcript NM_024306.5 (MANE Select); coding-DNA position 64, G replaced by A.
Protein change: p.Ala22Thr; replaces alanine 22 with threonine.
Molecular consequence: missense variant.
Genome position (GRCh38, 1-based): chr16:74,774,692, C>T on the plus strand (G>A on the coding strand, the complement: FA2H is on the minus strand). VCF-style: chr16-74774692-C-T. GRCh37 (hg19) VCF-style: chr16-74808590-C-T.
Other names: short protein forms A22T.
Identifiers: ClinVar variation 1516846 (VCV001516846.21), dbSNP rs970436944, ClinGen allele CA283770111.

ClinVar aggregate classification (germline): Uncertain significance. Review status: criteria provided, multiple submitters, no conflicts (2 of 4 stars). 2 submissions from 2 submitters: Uncertain significance (2). Last evaluated 2024-07-01.

Conditions:
Spastic paraplegia. Identifiers: MedGen C0037772, HP:0001258.

Allele frequency attached by ClinVar (database versions not stated): gnomAD 0.00001; gnomAD exomes 0.00001; TOPMed 0.00001.
gnomAD v4.1: 11 of 1,379,608 alleles (0.0008%); highest among the groups gnomAD compares: Non-Finnish European, 0.00084%; no homozygotes.

Submissions (2):

CeGaT Center for Human Genetics Tuebingen
Classification: Uncertain significance. Last evaluated: 2024-07-01. Review status: criteria provided, single submitter. Criteria: CeGaT Center For Human Genetics Tuebingen Variant Classification Criteria Version 2. Collection method: clinical testing. Allele origin: germline. Affected: yes. Observed: 1 variant allele.
Comment: FA2H: PM2, PP2

Labcorp Genetics (formerly Invitae), Labcorp
Classification: Uncertain significance for Spastic paraplegia. Last evaluated: 2023-03-21. Review status: criteria provided, single submitter. Criteria: Invitae Variant Classification Sherloc (09022015). Collection method: clinical testing. Allele origin: germline.
Comment: In summary, the available evidence is currently insufficient to determine the role of this variant in disease. Therefore, it has been classified as a Variant of Uncertain Significance. Advanced modeling of protein sequence and biophysical properties (such as structural, functional, and spatial information, amino acid conservation, physicochemical variation, residue mobility, and thermodynamic stability) performed at Invitae indicates that this missense variant is not expected to disrupt FA2H protein function. ClinVar contains an entry for this variant (Variation ID: 1516846). This variant has not been reported in the literature in individuals affected with FA2H-related conditions. This variant is not present in population databases (gnomAD no frequency). This sequence change replaces alanine, which is neutral and non-polar, with threonine, which is neutral and polar, at codon 22 of the FA2H protein (p.Ala22Thr).